The following is an entry in ClinVar:

NM_001378454.1(ALMS1):c.820A>C (p.Ser274Arg)

Gene: ALMS1 (ALMS1 centrosome and basal body associated protein; plus strand). Cytogenetic location: 2p13.1.
Variant type: single nucleotide variant.
Coding change: c.820A>C on transcript NM_001378454.1 (MANE Select); coding-DNA position 820, A replaced by C.
Protein change: p.Ser274Arg; replaces serine 274 with arginine.
Molecular consequence: missense variant.
Genome position (GRCh38, 1-based): chr2:73,424,485, A>C. VCF-style: chr2-73424485-A-C. GRCh37 (hg19) VCF-style: chr2-73651613-A-C.
Other names: c.823A>C, p.Ser275Arg (NM_015120.4); short protein forms S275R, S274R.
Identifiers: ClinVar variation 598626 (VCV000598626.16), dbSNP rs761800808, ClinGen allele CA1712993.
Genomic context (GRCh38, chr2:73,424,485, plus strand): 5'-TTCAGGGGAATTCCTGATAAGTCTGAAGATACTGAATGGTCTTCTCGACCATCGGAAGTT[A>C]GTGAAGCTTTATTCCAGGCTACTGCAGAAGTAGCTTCAGACTTAGCAAGCAGTCGCTTTA-3'
Protein context (NP_001365383.1, residues 264-284): TEWSSRPSEV[Ser274Arg]EALFQATAEV

ClinVar aggregate classification (germline): Uncertain significance. Review status: criteria provided, multiple submitters, no conflicts (2 of 4 stars). 5 submissions from 5 submitters: Uncertain significance (5). Last evaluated 2025-01-29.

Conditions:
Alstrom syndrome (ALMS). Identifiers: Orphanet 64, MedGen C0268425, MONDO:0008763, OMIM 203800.
Cardiovascular phenotype. Identifiers: MedGen CN230736.

Allele frequency attached by ClinVar (database versions not stated): gnomAD exomes below 0.00001; ExAC 0.00001; TOPMed 0.00002; gnomAD 0.00004 and 0.00005.
gnomAD v4.1: 14 of 1,604,002 alleles (0.00087%); highest among the groups gnomAD compares: African/African-American, 0.013%; no homozygotes.

Submissions (5):

Ambry Genetics
Classification: Uncertain significance for Cardiovascular phenotype. Last evaluated: 2025-01-29. Review status: criteria provided, single submitter. Criteria: Ambry Variant Classification Scheme 2023. Collection method: clinical testing. Allele origin: germline.
Comment: The p.S275R variant (also known as c.823A>C), located in coding exon 5 of the ALMS1 gene, results from an A to C substitution at nucleotide position 823. The serine at codon 275 is replaced by arginine, an amino acid with dissimilar properties. This amino acid position is well conserved in available vertebrate species. In addition, the in silico prediction for this alteration is inconclusive. Since supporting evidence is limited at this time, the clinical significance of this alteration remains unclear.

GeneDx
Classification: Uncertain significance. Last evaluated: 2023-02-06. Review status: criteria provided, single submitter. Criteria: GeneDx Variant Classification Process June 2021. Collection method: clinical testing. Allele origin: germline. Affected: yes.
Comment: Not observed at significant frequency in large population cohorts (gnomAD); In silico analysis supports that this missense variant has a deleterious effect on protein structure/function; Has not been previously published as pathogenic or benign to our knowledge

Labcorp Genetics (formerly Invitae), Labcorp
Classification: Uncertain significance for Alstrom syndrome. Last evaluated: 2022-10-18. Review status: criteria provided, single submitter. Criteria: Invitae Variant Classification Sherloc (09022015). Collection method: clinical testing. Allele origin: germline.
Comment: This sequence change replaces serine, which is neutral and polar, with arginine, which is basic and polar, at codon 275 of the ALMS1 protein (p.Ser275Arg). This variant is present in population databases (rs761800808, gnomAD 0.008%). This variant has not been reported in the literature in individuals affected with ALMS1-related conditions. ClinVar contains an entry for this variant (Variation ID: 598626). Algorithms developed to predict the effect of missense changes on protein structure and function output the following: SIFT: "Not Available"; PolyPhen-2: "Not Available"; Align-GVGD: "Not Available". The arginine amino acid residue is found in multiple mammalian species, which suggests that this missense change does not adversely affect protein function. In summary, the available evidence is currently insufficient to determine the role of this variant in disease. Therefore, it has been classified as a Variant of Uncertain Significance.

Fulgent Genetics
Classification: Uncertain significance for Alstrom syndrome. Last evaluated: 2022-02-06. Review status: criteria provided, single submitter. Criteria: ACMG Guidelines, 2015. Collection method: clinical testing. Allele origin: unknown.

Eurofins Ntd Llc (ga)
Classification: Uncertain significance. Last evaluated: 2018-09-11. Review status: criteria provided, single submitter. Criteria: EGL ClinVar v180209 classification definitions. Collection method: clinical testing. Allele origin: germline. Observed: 1 variant allele, 1 heterozygote.